The following is an entry in ClinVar:

ClinVar aggregate classification (germline): Uncertain significance (1 of 4 stars; one submission).

Conditions:
Cardiovascular phenotype. Identifiers: MedGen CN230736.

Submission:

Ambry Genetics
Classification: Uncertain significance for Cardiovascular phenotype. Last evaluated: 2025-07-12. Review status: criteria provided, single submitter. Criteria: Ambry Variant Classification Scheme 2023. Collection method: clinical testing. Allele origin: germline.
Comment: The p.M997V variant (also known as c.2989A>G), located in coding exon 19 of the SOS1 gene, results from an A to G substitution at nucleotide position 2989. The methionine at codon 997 is replaced by valine, an amino acid with highly similar properties. This amino acid position is conserved. In addition, this alteration is predicted to be tolerated by in silico analysis. Based on the available evidence, the clinical significance of this variant remains unclear.

NM_005633.4(SOS1):c.2989A>G (p.Met997Val)

Gene: SOS1 (SOS Ras/Rac guanine nucleotide exchange factor 1; minus strand). Cytogenetic location: 2p22.1.
Variant type: single nucleotide variant.
Coding change: c.2989A>G on transcript NM_005633.4 (MANE Select); coding-DNA position 2989, A replaced by G.
Protein change: p.Met997Val; replaces methionine 997 with valine.
Molecular consequence: missense variant.
Genome position (GRCh38, 1-based): chr2:38,997,014, T>C on the plus strand (A>G on the coding strand, the complement: SOS1 is on the minus strand). VCF-style: chr2-38997014-T-C. GRCh37 (hg19) VCF-style: chr2-39224155-T-C.
Other names: c.2968A>G, p.Met990Val (NM_001382394.1); c.2989A>G, p.Met997Val (NM_001382395.1); short protein forms M990V, M997V.
Identifiers: ClinVar variation 4171992 (VCV004171992.1).